The following is an entry in ClinVar:

ClinVar aggregate classification (germline): Likely benign. Review status: criteria provided, multiple submitters, no conflicts (2 of 4 stars). 3 submissions from 3 submitters: Likely benign (3). Last evaluated 2025-12-23.

Conditions:
Charcot-Marie-Tooth disease type 2. Also called: Charcot-Marie-Tooth type 2. Identifiers: Orphanet 64746, MedGen C0270914, MONDO:0018993.

Allele frequency attached by ClinVar (database versions not stated): ExAC 0.00023; TOPMed 0.00012; gnomAD 0.00013; gnomAD exomes 0.00027 and 0.00016; ESP Exome Variant Server 0.00008.
gnomAD v4.1: 400 of 1,611,768 alleles (0.025%); highest among the groups gnomAD compares: Non-Finnish European, 0.033%; no homozygotes.

Submissions (3):

Labcorp Genetics (formerly Invitae), Labcorp
Classification: Likely benign for Charcot-Marie-Tooth disease type 2. Last evaluated: 2025-12-23. Review status: criteria provided, single submitter. Criteria: Invitae Variant Classification Sherloc (09022015). Collection method: clinical testing. Allele origin: germline.

Women's Health and Genetics/Laboratory Corporation of America, LabCorp
Classification: Likely benign. Last evaluated: 2025-10-09. Review status: criteria provided, single submitter. Criteria: LabCorp Variant Classification Summary - May 2015. Collection method: clinical testing. Allele origin: germline.
Comment: Variant summary: AARS1 c.480-17C>T alters a nucleotide located at a position not widely known to affect splicing. Consensus agreement among computation tools predict no significant impact on normal splicing. However, these predictions have yet to be confirmed by functional studies. The variant allele was found at a frequency of 0.00016 in 280604 control chromosomes. This frequency is not significantly higher than estimated for disease-causing variants in AARS1, allowing no conclusion about variant significance. To our knowledge, no occurrence of c.480-17C>T in individuals affected with AARS1-related conditions and no experimental evidence demonstrating its impact on protein function have been reported. ClinVar contains an entry for this variant (Variation ID: 1682306). Based on the evidence outlined above, the variant was classified as likely benign.

ARUP Laboratories, Molecular Genetics and Genomics, ARUP Laboratories
Classification: Likely benign. Last evaluated: 2024-10-16. Review status: criteria provided, single submitter. Criteria: ARUP Molecular Germline Variant Investigation Process 2024. Collection method: clinical testing. Allele origin: germline.

NM_001605.3(AARS1):c.480-17C>T

Gene: AARS1 (alanyl-tRNA synthetase 1; minus strand). Cytogenetic location: 16q22.1.
Variant type: single nucleotide variant.
Coding change: c.480-17C>T on transcript NM_001605.3 (MANE Select); 17 bases into the intron before coding-DNA position 480, C replaced by T.
Molecular consequence: intron variant.
Genome position (GRCh38, 1-based): chr16:70,271,989, G>A on the plus strand (C>T on the coding strand, the complement: AARS1 is on the minus strand). VCF-style: chr16-70271989-G-A. GRCh37 (hg19) VCF-style: chr16-70305892-G-A.
Identifiers: ClinVar variation 1682306 (VCV001682306.10), dbSNP rs372467445, ClinGen allele CA8141122.